The following is an entry in ClinVar:

ClinVar aggregate classification (germline): Uncertain significance. Review status: criteria provided, multiple submitters, no conflicts (2 of 4 stars). 2 submissions from 2 submitters: Uncertain significance (2). Last evaluated 2026-08-19.

Conditions:
SEMA3G-related disorder. Also called: SEMA3G-related condition.

Allele frequency attached by ClinVar (database versions not stated): gnomAD 0.00001; ExAC 0.00002; gnomAD exomes 0.00002; TOPMed 0.00002.

Submissions (2):

PreventionGenetics, part of Exact Sciences
Classification: Uncertain significance for SEMA3G-related condition. Last evaluated: 2026-08-19. Review status: criteria provided, single submitter. Criteria: ACMG Guidelines, 2015. Collection method: clinical testing. Allele origin: germline.
Comment: The SEMA3G c.1061A>G variant is predicted to result in the amino acid substitution p.Asn354Ser. To our knowledge, this variant has not been reported in the literature. This variant is reported in 0.016% of alleles in individuals of East Asian descent in gnomAD. At this time, the clinical significance of this variant is uncertain due to the absence of conclusive functional and genetic evidence.

Ambry Genetics
Classification: Uncertain significance. Last evaluated: 2023-10-20. Review status: criteria provided, single submitter. Criteria: Ambry Variant Classification Scheme 2023. Collection method: clinical testing. Allele origin: germline.

NM_020163.3(SEMA3G):c.1061A>G (p.Asn354Ser)

Gene: SEMA3G (semaphorin 3G; minus strand). Cytogenetic location: 3p21.1.
Variant type: single nucleotide variant.
Coding change: c.1061A>G on transcript NM_020163.3 (MANE Select); coding-DNA position 1061, A replaced by G.
Protein change: p.Asn354Ser; replaces asparagine 354 with serine.
Molecular consequence: missense variant.
Genome position (GRCh38, 1-based): chr3:52,440,459, T>C on the plus strand (A>G on the coding strand, the complement: SEMA3G is on the minus strand). VCF-style: chr3-52440459-T-C. GRCh37 (hg19) VCF-style: chr3-52474475-T-C.
Other names: c.1061A>G (NM_020163.2); short protein forms N354S.
Identifiers: ClinVar variation 3159737 (VCV003159737.2), dbSNP rs770361293, ClinGen allele CA2438072.
Genomic context (GRCh38, chr3:52,440,459, plus strand): 5'-ACCTTGCCCCCATAGGGCCCCCACTGGTGCTGAGGCCCATCTCGGTGGGCAAAGGGCCCG[T>C]TGAAAACCTCCCAGATGTCTGCCATGTGGTACACACAGACGGCGAAGCCCTGGAACACGG-3'
Protein context (NP_064548.1, residues 344-364): YHMADIWEVF[Asn354Ser]GPFAHRDGPQ